The following is an entry in ClinVar:

ClinVar aggregate classification (germline): Uncertain significance (1 of 4 stars; one submission).

gnomAD v4.1: 3 of 1,614,140 alleles (0.00019%); highest among the groups gnomAD compares: Admixed American, 0.0017%; no homozygotes.

Submission:

Labcorp Genetics (formerly Invitae), Labcorp
Classification: Uncertain significance. Last evaluated: 2025-02-16. Review status: criteria provided, single submitter. Criteria: Invitae Variant Classification Sherloc (09022015). Collection method: clinical testing. Allele origin: germline.
Comment: This sequence change replaces tyrosine, which is neutral and polar, with aspartic acid, which is acidic and polar, at codon 229 of the KLF10 protein (p.Tyr229Asp). This variant is present in population databases (no rsID available, gnomAD 0.006%). This variant has not been reported in the literature in individuals affected with KLF10-related conditions. ClinVar contains an entry for this variant (Variation ID: 2718915). An algorithm developed to predict the effect of missense changes on protein structure and function (PolyPhen-2) suggests that this variant is likely to be tolerated. In summary, the available evidence is currently insufficient to determine the role of this variant in disease. Therefore, it has been classified as a Variant of Uncertain Significance.

NM_005655.4(KLF10):c.685T>G (p.Tyr229Asp)

Gene: KLF10 (KLF transcription factor 10; minus strand). Cytogenetic location: 8q22.3.
Variant type: single nucleotide variant.
Coding change: c.685T>G on transcript NM_005655.4 (MANE Select); coding-DNA position 685, T replaced by G.
Protein change: p.Tyr229Asp; replaces tyrosine 229 with aspartic acid.
Molecular consequence: missense variant.
Genome position (GRCh38, 1-based): chr8:102,651,647, A>C on the plus strand (T>G on the coding strand, the complement: KLF10 is on the minus strand). VCF-style: chr8-102651647-A-C. GRCh37 (hg19) VCF-style: chr8-103663875-A-C.
Other names: c.652T>G, p.Tyr218Asp (NM_001032282.4); short protein forms Y218D, Y229D.
Identifiers: ClinVar variation 2718915 (VCV002718915.3), dbSNP rs199615401, ClinGen allele CA182541094.